The following is an entry in ClinVar:

NM_022464.5(SIL1):c.310C>G (p.Leu104Val)

Gene: SIL1 (SIL1 nucleotide exchange factor; minus strand). Cytogenetic location: 5q31.2.
Variant type: single nucleotide variant.
Coding change: c.310C>G on transcript NM_022464.5 (MANE Select); coding-DNA position 310, C replaced by G.
Protein change: p.Leu104Val; replaces leucine 104 with valine.
Molecular consequence: missense variant.
Genome position (GRCh38, 1-based): chr5:139,050,981, G>C on the plus strand (C>G on the coding strand, the complement: SIL1 is on the minus strand). VCF-style: chr5-139050981-G-C. GRCh37 (hg19) VCF-style: chr5-138386670-G-C.
Other names: c.310C>G, p.Leu104Val (NM_001037633.2); short protein forms L104V.
Identifiers: ClinVar variation 994491 (VCV000994491.7), dbSNP rs150892227, ClinGen allele CA3432625.

ClinVar aggregate classification (germline): Uncertain significance. Review status: criteria provided, multiple submitters, no conflicts (2 of 4 stars). 4 submissions from 4 submitters: Uncertain significance (4). Last evaluated 2024-12-09.

Conditions:
Marinesco-Sjögren syndrome (MSS). Also called: Marinesco-Sjogren Syndrome; Marinesco-SjÃ¶gren syndrome. Identifiers: Orphanet 559, MedGen C0024814, MONDO:0009567, OMIM 248800.

Allele frequency attached by ClinVar (database versions not stated): gnomAD exomes 0.00006 and 0.00012; ExAC 0.00012; 1000 Genomes Project 30x 0.00016; gnomAD 0.00018 and 0.00019; 1000 Genomes Project 0.00020; TOPMed 0.00027; ESP Exome Variant Server 0.00038.
gnomAD v4.1: 121 of 1,614,174 alleles (0.0075%); highest among the groups gnomAD compares: Middle Eastern, 0.38%; 1 homozygote.

Submissions (4):

Labcorp Genetics (formerly Invitae), Labcorp
Classification: Uncertain significance for Marinesco-Sjögren syndrome. Last evaluated: 2024-12-09. Review status: criteria provided, single submitter. Criteria: Invitae Variant Classification Sherloc (09022015). Collection method: clinical testing. Allele origin: germline.
Comment: This sequence change replaces leucine, which is neutral and non-polar, with valine, which is neutral and non-polar, at codon 104 of the SIL1 protein (p.Leu104Val). This variant is present in population databases (rs150892227, gnomAD 0.05%). This variant has not been reported in the literature in individuals affected with SIL1-related conditions. ClinVar contains an entry for this variant (Variation ID: 994491). Invitae Evidence Modeling of protein sequence and biophysical properties (such as structural, functional, and spatial information, amino acid conservation, physicochemical variation, residue mobility, and thermodynamic stability) indicates that this missense variant is not expected to disrupt SIL1 protein function with a negative predictive value of 80%. In summary, the available evidence is currently insufficient to determine the role of this variant in disease. Therefore, it has been classified as a Variant of Uncertain Significance.

Blueprint Genetics
Classification: Uncertain significance. Last evaluated: 2024-09-10. Review status: criteria provided, single submitter. Criteria: ACMG Guidelines, 2015. Collection method: clinical testing. Allele origin: germline.

Revvity Omics, Revvity
Classification: Uncertain significance for Marinesco-Sjögren syndrome. Last evaluated: 2022-06-10. Review status: criteria provided, single submitter. Criteria: ACMG Guidelines, 2015. Collection method: clinical testing. Allele origin: germline.

Athena Diagnostics
Classification: Uncertain significance. Last evaluated: 2020-01-09. Review status: criteria provided, single submitter. Criteria: Athena Diagnostics Criteria. Collection method: clinical testing. Allele origin: unknown.